The following is an entry in ClinVar:

NM_014000.3(VCL):c.261G>A (p.Lys87=)

Gene: VCL (vinculin; plus strand). Cytogenetic location: 10q22.2.
Variant type: single nucleotide variant.
Coding change: c.261G>A on transcript NM_014000.3 (MANE Select); coding-DNA position 261, G replaced by A.
Protein change: p.Lys87=; no amino-acid change (lysine 87 retained).
Molecular consequence: synonymous variant.
Genome position (GRCh38, 1-based): chr10:74,070,691, G>A. VCF-style: chr10-74070691-G-A. GRCh37 (hg19) VCF-style: chr10-75830449-G-A.
Other names: c.261G>A, p.Lys87= (NM_003373.4).
Identifiers: ClinVar variation 390501 (VCV000390501.3), dbSNP rs1057523799, ClinGen allele CA16606054.

ClinVar aggregate classification (germline): Likely benign. Review status: criteria provided, multiple submitters, no conflicts (2 of 4 stars). 2 submissions from 2 submitters: Likely benign (2). Last evaluated 2019-10-11.

Conditions:
Cardiovascular phenotype. Identifiers: MedGen CN230736.

Allele frequency attached by ClinVar (database versions not stated): gnomAD exomes below 0.00001.
gnomAD v4.1: 1 of 1,614,150 alleles (0.000062%); highest among the groups gnomAD compares: Non-Finnish European, 0.000085%; no homozygotes.

Submissions (2):

Ambry Genetics
Classification: Likely benign for Cardiovascular phenotype. Last evaluated: 2019-10-11. Review status: criteria provided, single submitter. Criteria: Ambry Variant Classification Scheme 2023. Collection method: clinical testing. Allele origin: germline.

GeneDx
Classification: Likely benign. Last evaluated: 2016-11-04. Review status: criteria provided, single submitter. Criteria: GeneDx Variant Classification (06012015). Collection method: clinical testing. Allele origin: germline. Affected: yes.
Comment: This variant is considered likely benign or benign based on one or more of the following criteria: it is a conservative change, it occurs at a poorly conserved position in the protein, it is predicted to be benign by multiple in silico algorithms, and/or has population frequency not consistent with disease.